The following is an entry in ClinVar:

ClinVar aggregate classification (germline): Uncertain significance (0 of 4 stars; one submission).

Conditions:
CREBBP-related disorder. Also called: CREBBP-related condition; CREBBP-related disorders.

Submission:

PreventionGenetics, part of Exact Sciences
Classification: Uncertain significance for CREBBP-related condition. Last evaluated: 2023-12-15. Review status: no assertion criteria provided. Collection method: clinical testing. Allele origin: germline.
Comment: The CREBBP c.5296G>A variant is predicted to result in the amino acid substitution p.Glu1766Lys. To our knowledge, this variant has not been reported in the literature or in a large population database, indicating this variant is rare. At this time, the clinical significance of this variant is uncertain due to the absence of conclusive functional and genetic evidence.

NM_004380.3(CREBBP):c.5296G>A (p.Glu1766Lys)

Gene: CREBBP (CREB binding lysine acetyltransferase; minus strand). Cytogenetic location: 16p13.3.
Variant type: single nucleotide variant.
Coding change: c.5296G>A on transcript NM_004380.3 (MANE Select); coding-DNA position 5296, G replaced by A.
Protein change: p.Glu1766Lys; replaces glutamic acid 1766 with lysine.
Molecular consequence: missense variant.
Genome position (GRCh38, 1-based): chr16:3,729,751, C>T on the plus strand (G>A on the coding strand, the complement: CREBBP is on the minus strand). VCF-style: chr16-3729751-C-T. GRCh37 (hg19) VCF-style: chr16-3779752-C-T.
Other names: c.5182G>A, p.Glu1728Lys (NM_001079846.1); short protein forms E1728K, E1766K.
Identifiers: ClinVar variation 3349031 (VCV003349031.1).